The following is an entry in ClinVar:

ClinVar aggregate classification (germline): Uncertain significance (1 of 4 stars; one submission).

Submission:

GeneDx
Classification: Uncertain significance. Last evaluated: 2022-11-21. Review status: criteria provided, single submitter. Criteria: GeneDx Variant Classification Process June 2021. Collection method: clinical testing. Allele origin: germline. Affected: yes.
Comment: Not observed at significant frequency in large population cohorts (gnomAD); In silico analysis supports that this missense variant has a deleterious effect on protein structure/function; Has not been previously published as pathogenic or benign to our knowledge; Variants in candidate genes are classified as variants of uncertain significance in accordance with ACMG guidelines (Richards et al., 2015)

NM_012401.4(PLXNB2):c.4294G>A (p.Val1432Met)

Gene: PLXNB2 (plexin B2; minus strand). Cytogenetic location: 22q13.33.
Variant type: single nucleotide variant.
Coding change: c.4294G>A on transcript NM_012401.4 (MANE Select); coding-DNA position 4294, G replaced by A.
Protein change: p.Val1432Met; replaces valine 1432 with methionine.
Molecular consequence: missense variant.
Genome position (GRCh38, 1-based): chr22:50,279,725, C>T on the plus strand (G>A on the coding strand, the complement: PLXNB2 is on the minus strand). VCF-style: chr22-50279725-C-T. GRCh37 (hg19) VCF-style: chr22-50718154-C-T.
Other names: c.4270G>A, p.Val1424Met (NM_001376883.1); c.4294G>A, p.Val1432Met (NM_001376884.1, NM_001376885.1, NM_001376873.1 and 16 more transcripts); c.4201G>A, p.Val1401Met (NM_001376886.1); c.4363G>A, p.Val1455Met (NM_001376865.1); c.4531G>A, p.Val1511Met (NM_001376864.1); short protein forms V1401M, V1424M, V1432M, V1455M, V1511M.
Identifiers: ClinVar variation 4278610 (VCV004278610.1).